The following is an entry in ClinVar:

NM_020937.4(FANCM):c.2629dup (p.Ser877fs)

Gene: FANCM (FA complementation group M; plus strand). Cytogenetic location: 14q21.2.
Variant type: Duplication.
Coding change: c.2629dup on transcript NM_020937.4 (MANE Select); coding-DNA position 2629, one base duplicated (T; older notation c.2629dupT).
Protein change: p.Ser877fs; shifts the reading frame from serine 877.
Molecular consequence: frameshift variant.
Genome position (GRCh38, 1-based): chr14:45,175,383, T duplicated; the last of 2 consecutive T bases (chr14:45,175,382-45,175,383); duplicating either gives the same sequence. VCF-style (leftmost placement, unchanged base first): chr14-45175381-A-AT. GRCh37 (hg19) VCF-style: chr14-45644584-A-AT.
Other names: c.2551dup, p.Ser851fs (NM_001308133.2); short protein forms S851fs, S877fs.
Identifiers: ClinVar variation 845668 (VCV000845668.7), dbSNP rs1888605629, ClinGen allele CA916081712.

ClinVar aggregate classification (germline): Pathogenic (1 of 4 stars; one submission).

Conditions:
Fanconi anemia (FA). Also called: Fanconi's anemia. Identifiers: Orphanet 84, MedGen C0015625, MeSH D005199, MONDO:0019391.

Submission:

Labcorp Genetics (formerly Invitae), Labcorp
Classification: Pathogenic for Fanconi anemia. Last evaluated: 2025-10-15. Review status: criteria provided, single submitter. Criteria: Invitae Variant Classification Sherloc (09022015). Collection method: clinical testing. Allele origin: germline.
Comment: This sequence change creates a premature translational stop signal (p.Ser877Phefs*4) in the FANCM gene. It is expected to result in an absent or disrupted protein product. Loss-of-function variants in FANCM are known to be pathogenic (PMID: 29895858, 30075111). This variant is not present in population databases (gnomAD no frequency). This variant has not been reported in the literature in individuals affected with FANCM-related conditions. ClinVar contains an entry for this variant (Variation ID: 845668). For these reasons, this variant has been classified as Pathogenic.

Literature cited by the submitters: PubMed 29895858; PubMed 30075111.